The following is an entry in ClinVar:

ClinVar aggregate classification (germline): Uncertain significance. Review status: reviewed by expert panel (3 of 4 stars). 9 submissions from 9 submitters: Uncertain significance (1). 8 of the submissions do not count toward it. Last evaluated 2026-07-07.

Conditions:
Cardiovascular phenotype. Identifiers: MedGen CN230736.
GAA-related disorder. Also called: GAA-related condition.
Glycogen storage disease, type II (IOPD). Also called: CARDIOMEGALIA GLYCOGENICA DIFFUSA; GLYCOGENOSIS, GENERALIZED, CARDIAC FORM; GSD II; Glycogen storage disease type 2; Acid maltase deficiency disease; Aglucosidase alfa. Identifiers: Orphanet 365, MedGen C0017921, MONDO:0009290, OMIM 232300.

Allele frequency attached by ClinVar (database versions not stated): gnomAD 0.00004; TOPMed 0.00006; ExAC 0.00008; ESP Exome Variant Server 0.00008; gnomAD exomes 0.00010 and 0.00013; 1000 Genomes Project 30x 0.00016; 1000 Genomes Project 0.00020.

Submissions (9):

ClinGen Lysosomal Storage Disorder Variant Curation Expert Panel
Classification: Uncertain significance for Glycogen storage disease, type II. Last evaluated: 2026-07-07. Review status: reviewed by expert panel. Criteria: clingen_lsd_acmg_specifications_v2-1. Collection method: curation. Allele origin: germline. Inheritance: Autosomal recessive inheritance.
Comment: The NM_000152.5:c.1629C>T (p.Tyr543=) variant is a synonymous (silent) variant that is not predicted by SpliceAI to impact splicing. In addition, it occurs at a nucleotide that is not conserved as shown by PhyloP100 (-0.851) (BP4, BP7). The highest population minor allele frequency in gnomAD v4.1.0 is 0.0004949 (3/6062 alleles; 1 homozygote) in the Middle Eastern population, which is lower than the ClinGen Lysosomal Diseases VCEP’s threshold for PM2_Supporting (<0.001), meeting this criterion (PM2_Supporting). It has not been reported in any individuals with Pompe disease to our knowledge. However, the variant was identified in a clinical laboratory in an adult with muscle weakness, GAA activity in the indeterminate range, and no other GAA variants identified (insufficient evidence to apply PP4). There is a ClinVar entry for this variant (Variation ID: 510672). Due to conflicting evidence, this variant is classified as a variant of unknown significance for Pompe disease based on the GAA-specific ACMG/AMP criteria applied, as specified by the ClinGen Lysosomal Diseases Variant Curation Expert Panel (Specifications Version 2.0): PM2_supporting, BP4, BP7. (Classification approved by the ClinGen Lysosomal Diseases Variant Curation Expert Panel on July 7, 2026)

Labcorp Genetics (formerly Invitae), Labcorp
Classification: Likely benign for Glycogen storage disease, type II. Last evaluated: 2026-02-02. Review status: criteria provided, single submitter. Criteria: Invitae Variant Classification Sherloc (09022015). Collection method: clinical testing. Allele origin: germline. Not counted in ClinVar's aggregate classification.

Blueprint Genetics
Classification: Likely benign. Last evaluated: 2024-11-22. Review status: criteria provided, single submitter. Criteria: ACMG Guidelines, 2015. Collection method: clinical testing. Allele origin: germline. Not counted in ClinVar's aggregate classification.

Revvity Omics, Revvity
Classification: Likely benign. Last evaluated: 2023-11-14. Review status: criteria provided, single submitter. Criteria: ACMG Guidelines, 2015. Collection method: clinical testing. Allele origin: germline. Not counted in ClinVar's aggregate classification.

Ambry Genetics
Classification: Likely benign for Cardiovascular phenotype. Last evaluated: 2022-03-21. Review status: criteria provided, single submitter. Criteria: Ambry Variant Classification Scheme 2023. Collection method: clinical testing. Allele origin: germline. Not counted in ClinVar's aggregate classification.

Genome-Nilou Lab
Classification: Likely benign for Glycogen storage disease, type II. Last evaluated: 2021-07-22. Review status: criteria provided, single submitter. Criteria: ACMG Guidelines, 2015. Collection method: clinical testing. Allele origin: germline. Affected: no. Not counted in ClinVar's aggregate classification.

GeneDx
Classification: Likely benign. Last evaluated: 2018-06-11. Review status: criteria provided, single submitter. Criteria: GeneDx Variant Classification Process June 2021. Collection method: clinical testing. Allele origin: germline. Affected: yes. Not counted in ClinVar's aggregate classification.

Eurofins Ntd Llc (ga)
Classification: Uncertain significance. Last evaluated: 2017-11-27. Review status: criteria provided, single submitter. Criteria: EGL Classification Definitions 2015. Collection method: clinical testing. Allele origin: germline. Observed: 2 variant alleles, 2 heterozygotes. Not counted in ClinVar's aggregate classification.

PreventionGenetics, part of Exact Sciences
Classification: Likely benign for GAA-related condition. Last evaluated: 2019-04-09. Review status: no assertion criteria provided. Collection method: clinical testing. Allele origin: germline. Not counted in ClinVar's aggregate classification.
Comment: This variant is classified as likely benign based on ACMG/AMP sequence variant interpretation guidelines (Richards et al. 2015 PMID: 25741868, with internal and published modifications).

NM_000152.5(GAA):c.1629C>T (p.Tyr543=)

Gene: GAA (alpha glucosidase; plus strand). Cytogenetic location: 17q25.3.
Variant type: single nucleotide variant.
Coding change: c.1629C>T on transcript NM_000152.5 (MANE Select); coding-DNA position 1629, C replaced by T.
Protein change: p.Tyr543=; no amino-acid change (tyrosine 543 retained).
Molecular consequence: synonymous variant.
Genome position (GRCh38, 1-based): chr17:80,111,018, C>T. VCF-style: chr17-80111018-C-T. GRCh37 (hg19) VCF-style: chr17-78084817-C-T.
Other names: NM_000152.5(GAA):c.1629C>T; p.Tyr543=; c.1629C>T (LRG_673t1, NM_000152.4); c.1629C>T, p.Tyr543= (NM_001079803.3, NM_001079804.3).
Identifiers: ClinVar variation 510672 (VCV000510672.29), dbSNP rs372193105, ClinGen allele CA8815394.